The following is an entry in ClinVar:

NM_133433.4(NIPBL):c.7553A>T (p.Asp2518Val)

Gene: NIPBL (NIPBL cohesin loading factor; plus strand). Cytogenetic location: 5p13.2.
Variant type: single nucleotide variant.
Coding change: c.7553A>T on transcript NM_133433.4 (MANE Select); coding-DNA position 7553, A replaced by T.
Protein change: p.Asp2518Val; replaces aspartic acid 2518 with valine.
Molecular consequence: missense variant.
Genome position (GRCh38, 1-based): chr5:37,059,033, A>T. VCF-style: chr5-37059033-A-T. GRCh37 (hg19) VCF-style: chr5-37059135-A-T.
Other names: c.7553A>T, p.Asp2518Val (NM_015384.5); short protein forms D2518V.
Identifiers: ClinVar variation 2408475 (VCV002408475.4), dbSNP rs756187678, ClinGen allele CA359516293.

ClinVar aggregate classification (germline): Uncertain significance. Review status: criteria provided, multiple submitters, no conflicts (2 of 4 stars). 2 submissions from 2 submitters: Uncertain significance (2). Last evaluated 2024-10-18.

Conditions:
Inborn genetic diseases. Identifiers: MedGen C0950123, MeSH D030342.
Cornelia de Lange syndrome 1 (CDLS1). Also called: TYPUS DEGENERATIVUS AMSTELODAMENSIS; Brachmann de Lange syndrome; NIPBL-Related Cornelia de Lange Syndrome. Identifiers: Orphanet 199, MedGen C4551851, MONDO:0007387, OMIM 122470.

Submissions (2):

Labcorp Genetics (formerly Invitae), Labcorp
Classification: Uncertain significance for Cornelia de Lange syndrome 1. Last evaluated: 2024-10-18. Review status: criteria provided, single submitter. Criteria: Invitae Variant Classification Sherloc (09022015). Collection method: clinical testing. Allele origin: germline.
Comment: This sequence change replaces aspartic acid, which is acidic and polar, with valine, which is neutral and non-polar, at codon 2518 of the NIPBL protein (p.Asp2518Val). This variant is not present in population databases (gnomAD no frequency). This variant has not been reported in the literature in individuals affected with NIPBL-related conditions. ClinVar contains an entry for this variant (Variation ID: 2408475). Invitae Evidence Modeling of protein sequence and biophysical properties (such as structural, functional, and spatial information, amino acid conservation, physicochemical variation, residue mobility, and thermodynamic stability) indicates that this missense variant is expected to disrupt NIPBL protein function with a positive predictive value of 80%. In summary, the available evidence is currently insufficient to determine the role of this variant in disease. Therefore, it has been classified as a Variant of Uncertain Significance.

Ambry Genetics
Classification: Uncertain significance for Inborn genetic diseases. Last evaluated: 2022-05-25. Review status: criteria provided, single submitter. Criteria: Ambry Variant Classification Scheme 2023. Collection method: clinical testing. Allele origin: germline.